The following is an entry in ClinVar:

NM_000660.7(TGFB1):c.824G>A (p.Arg275Gln)

Gene: TGFB1 (transforming growth factor beta 1; minus strand). Cytogenetic location: 19q13.2.
Variant type: single nucleotide variant.
Coding change: c.824G>A on transcript NM_000660.7 (MANE Select); coding-DNA position 824, G replaced by A.
Protein change: p.Arg275Gln; replaces arginine 275 with glutamine.
Molecular consequence: missense variant.
Genome position (GRCh38, 1-based): chr19:41,341,919, C>T on the plus strand (G>A on the coding strand, the complement: TGFB1 is on the minus strand). VCF-style: chr19-41341919-C-T. GRCh37 (hg19) VCF-style: chr19-41847824-C-T.
Other names: short protein forms R275Q.
Identifiers: ClinVar variation 2099663 (VCV002099663.4), dbSNP rs2038059899, ClinGen allele CA405999315.
Genomic context (GRCh38, chr19:41,341,919, plus strand): 5'-CTCCATCCAGGCTACAAGGCTCACCTGAAGCAATAGTTGGTGTCCAGGGCTCGGCGGTGC[C>T]GGGAGCTTTGCAGATGCTGGGCCCTCTCCAGCGGGGTGGCCATGAGAAGCAGGAAAGGCC-3'
Protein context (NP_000651.3, residues 265-285): LERAQHLQSS[Arg275Gln]HRRALDTNYC

ClinVar aggregate classification (germline): Uncertain significance (1 of 4 stars; one submission).

Allele frequency attached by ClinVar (database versions not stated): gnomAD exomes below 0.00001.
gnomAD v4.1: 2 of 1,613,986 alleles (0.00012%); highest among the groups gnomAD compares: Non-Finnish European, 0.00017%; no homozygotes.

Submission:

Labcorp Genetics (formerly Invitae), Labcorp
Classification: Uncertain significance. Last evaluated: 2024-10-03. Review status: criteria provided, single submitter. Criteria: Invitae Variant Classification Sherloc (09022015). Collection method: clinical testing. Allele origin: germline.
Comment: This sequence change replaces arginine, which is basic and polar, with glutamine, which is neutral and polar, at codon 275 of the TGFB1 protein (p.Arg275Gln). This variant is not present in population databases (gnomAD no frequency). This variant has not been reported in the literature in individuals affected with TGFB1-related conditions. ClinVar contains an entry for this variant (Variation ID: 2099663). Invitae Evidence Modeling of protein sequence and biophysical properties (such as structural, functional, and spatial information, amino acid conservation, physicochemical variation, residue mobility, and thermodynamic stability) indicates that this missense variant is not expected to disrupt TGFB1 protein function with a negative predictive value of 80%. In summary, the available evidence is currently insufficient to determine the role of this variant in disease. Therefore, it has been classified as a Variant of Uncertain Significance.